The following is an entry in ClinVar:

ClinVar aggregate classification (germline): Uncertain significance. Review status: criteria provided, multiple submitters, no conflicts (2 of 4 stars). 2 submissions from 2 submitters: Uncertain significance (2). Last evaluated 2024-06-06.

Conditions:
Renal cell carcinoma. Identifiers: Orphanet 217071, MedGen C0007134, MeSH D002292, MONDO:0005086, HP:0005584.
Hereditary cancer-predisposing syndrome. Also called: Neoplastic Syndromes, Hereditary; Tumor predisposition; Hereditary neoplastic syndrome; Hereditary Cancer Syndrome. Identifiers: Orphanet 140162, MedGen C0027672, MeSH D009386, MONDO:0015356.

Submissions (2):

Labcorp Genetics (formerly Invitae), Labcorp
Classification: Uncertain significance for Renal cell carcinoma. Last evaluated: 2024-06-06. Review status: criteria provided, single submitter. Criteria: Invitae Variant Classification Sherloc (09022015). Collection method: clinical testing. Allele origin: germline.
Comment: This sequence change replaces valine, which is neutral and non-polar, with leucine, which is neutral and non-polar, at codon 1096 of the MET protein (p.Val1096Leu). This variant is not present in population databases (gnomAD no frequency). This variant has not been reported in the literature in individuals affected with MET-related conditions. Advanced modeling of protein sequence and biophysical properties (such as structural, functional, and spatial information, amino acid conservation, physicochemical variation, residue mobility, and thermodynamic stability) performed at Invitae indicates that this missense variant is not expected to disrupt MET protein function with a negative predictive value of 80%. In summary, the available evidence is currently insufficient to determine the role of this variant in disease. Therefore, it has been classified as a Variant of Uncertain Significance.

Ambry Genetics
Classification: Uncertain significance for Hereditary cancer-predisposing syndrome. Last evaluated: 2023-11-30. Review status: criteria provided, single submitter. Criteria: Ambry Variant Classification Scheme 2023. Collection method: clinical testing. Allele origin: germline.
Comment: The p.V1096L variant (also known as c.3286G>T), located in coding exon 14 of the MET gene, results from a G to T substitution at nucleotide position 3286. The valine at codon 1096 is replaced by leucine, an amino acid with highly similar properties. This amino acid position is well conserved in available vertebrate species. In addition, this alteration is predicted to be tolerated by in silico analysis. Since supporting evidence is limited at this time, the clinical significance of this alteration remains unclear.

NM_000245.4(MET):c.3232G>T (p.Val1078Leu)

Gene: MET (MET proto-oncogene, receptor tyrosine kinase; plus strand). Cytogenetic location: 7q31.2.
Variant type: single nucleotide variant.
Coding change: c.3232G>T on transcript NM_000245.4 (MANE Select); coding-DNA position 3232, G replaced by T.
Protein change: p.Val1078Leu; replaces valine 1078 with leucine.
Molecular consequence: missense variant.
Genome position (GRCh38, 1-based): chr7:116,775,084, G>T. VCF-style: chr7-116775084-G-T. GRCh37 (hg19) VCF-style: chr7-116415138-G-T.
Other names: c.3286G>T, p.Val1096Leu (NM_001127500.3); c.1942G>T, p.Val648Leu (NM_001324402.2); short protein forms V1078L, V1096L, V648L.
Identifiers: ClinVar variation 3232974 (VCV003232974.3), dbSNP rs1479922279, ClinGen allele CA368988751.